The following is an entry in ClinVar:

ClinVar aggregate classification (germline): Conflicting classifications of pathogenicity. Review status: criteria provided, conflicting classifications (1 of 4 stars). 2 submissions from 2 submitters: Uncertain significance (1); Likely benign (1). Last evaluated 2025-11-11.

Conditions:
Inborn genetic diseases. Identifiers: MedGen C0950123, MeSH D030342.
ETV6-related disorder. Also called: ETV6-related condition.

gnomAD v4.1: 53 of 1,613,988 alleles (0.0033%); highest among the groups gnomAD compares: South Asian, 0.052%; no homozygotes.

Submissions (2):

PreventionGenetics, part of Exact Sciences
Classification: Uncertain significance for ETV6-related condition. Last evaluated: 2025-11-11. Review status: criteria provided, single submitter. Criteria: ACMG Guidelines, 2015. Collection method: clinical testing. Allele origin: germline.
Comment: The ETV6 c.629G>A variant is predicted to result in the amino acid substitution p.Arg210His. To our knowledge, this variant has not been reported in the literature. This variant is reported in 0.039% of alleles in individuals of South Asian descent in gnomAD. Although we suspect that this variant may be benign, at this time, the clinical significance of this variant is uncertain due to the absence of conclusive functional and genetic evidence.

Ambry Genetics
Classification: Likely benign for Inborn genetic diseases. Last evaluated: 2024-10-17. Review status: criteria provided, single submitter. Criteria: Ambry Variant Classification Scheme 2023. Collection method: clinical testing. Allele origin: germline.

NM_001987.5(ETV6):c.629G>A (p.Arg210His)

Gene: ETV6 (ETS variant transcription factor 6; plus strand). Cytogenetic location: 12p13.2.
Variant type: single nucleotide variant.
Coding change: c.629G>A on transcript NM_001987.5 (MANE Select); coding-DNA position 629, G replaced by A.
Protein change: p.Arg210His; replaces arginine 210 with histidine.
Molecular consequence: missense variant.
Genome position (GRCh38, 1-based): chr12:11,869,589, G>A. VCF-style: chr12-11869589-G-A. GRCh37 (hg19) VCF-style: chr12-12022523-G-A.
Other names: c.626G>A, p.Arg209His (NM_001413913.1); c.602G>A, p.Arg201His (NM_001413914.1); c.365G>A, p.Arg122His (NM_001413915.1); c.629G>A, p.Arg210His (NM_001413916.1, NM_001413917.1); short protein forms R122H, R201H, R210H, R209H.
Identifiers: ClinVar variation 3510599 (VCV003510599.2).